The following is an entry in ClinVar:

ClinVar aggregate classification (germline): Uncertain significance (1 of 4 stars; one submission).

Submission:

Labcorp Genetics (formerly Invitae), Labcorp
Classification: Uncertain significance. Last evaluated: 2022-01-27. Review status: criteria provided, single submitter. Criteria: Invitae Variant Classification Sherloc (09022015). Collection method: clinical testing. Allele origin: germline.
Comment: Algorithms developed to predict the effect of missense changes on protein structure and function (SIFT, PolyPhen-2, Align-GVGD) all suggest that this variant is likely to be disruptive. ClinVar contains an entry for this variant (Variation ID: 998648). This variant has not been reported in the literature in individuals affected with ATR-related conditions. This variant is not present in population databases (gnomAD no frequency). This sequence change replaces leucine, which is neutral and non-polar, with valine, which is neutral and non-polar, at codon 941 of the ATR protein (p.Leu941Val). In summary, the available evidence is currently insufficient to determine the role of this variant in disease. Therefore, it has been classified as a Variant of Uncertain Significance.

NM_001184.4(ATR):c.2821C>G (p.Leu941Val)

Gene: ATR (ATR checkpoint kinase; minus strand). Cytogenetic location: 3q23.
Variant type: single nucleotide variant.
Coding change: c.2821C>G on transcript NM_001184.4 (MANE Select); coding-DNA position 2821, C replaced by G.
Protein change: p.Leu941Val; replaces leucine 941 with valine.
Molecular consequence: missense variant.
Genome position (GRCh38, 1-based): chr3:142,550,287, G>C on the plus strand (C>G on the coding strand, the complement: ATR is on the minus strand). VCF-style: chr3-142550287-G-C. GRCh37 (hg19) VCF-style: chr3-142269129-G-C.
Other names: c.2629C>G, p.Leu877Val (NM_001354579.2); short protein forms L877V, L941V.
Identifiers: ClinVar variation 998648 (VCV000998648.8), dbSNP rs2034429045, ClinGen allele CA354813480.
Genomic context (GRCh38, chr3:142,550,287, plus strand): 5'-TTCGCACGTCAGCATTCTGGCATGGAGTATTCGGAAGTGCTGTCATCTGACTAGAGTGAA[G>C]GGATTCTACCAAAAACTAGAGCAAAAACCATTTTATTGTGAGTTTTCACACAAAGAAGAA-3'
Protein context (NP_001175.2, residues 931-951): KPICQFLVES[Leu941Val]HSSQMTALPN